The following is an entry in ClinVar:

ClinVar aggregate classification (germline): Conflicting classifications of pathogenicity. Review status: criteria provided, conflicting classifications (1 of 4 stars). 3 submissions from 3 submitters: Pathogenic (1); Uncertain significance (2). Last evaluated 2025-04-04.

Conditions:
Inborn genetic diseases. Identifiers: MedGen C0950123, MeSH D030342.
Developmental and epileptic encephalopathy, 31A. Also called: Developmental and epileptic encephalopathy, 31; Epileptic encephalopathy, early infantile, 31. Identifiers: Orphanet 2382, MedGen C4225357, MONDO:0014598, OMIM 616346.

Submissions (3):

Ambry Genetics
Classification: Uncertain significance for Inborn genetic diseases. Last evaluated: 2025-04-04. Review status: criteria provided, single submitter. Criteria: Ambry Variant Classification Scheme 2023. Collection method: clinical testing. Allele origin: germline.
Comment: The c.416G>A (p.G139E) alteration is located in exon 4 (coding exon 4) of the DNM1 gene. This alteration results from a G to A substitution at nucleotide position 416, causing the glycine (G) at amino acid position 139 to be replaced by a glutamic acid (E). This variant was not reported in population-based cohorts in the Genome Aggregation Database (gnomAD). This amino acid position is highly conserved in available vertebrate species. This missense alteration is located in a region that has a low rate of benign missense variation (Lek, 2016; Firth, 2009). Based on internal structural analysis, this variant is anticipated to disrupt a region of known function (Praefcke, 2004). This alteration is predicted to be deleterious by in silico analysis. Based on insufficient or conflicting evidence, the clinical significance of this alteration remains unclear.

Duke University Health System Sequencing Clinic, Duke University Health System
Classification: Pathogenic for Developmental and epileptic encephalopathy, 31A. Last evaluated: 2023-04-20. Review status: criteria provided, single submitter. Criteria: ACMG Guidelines, 2015. Collection method: research. Allele origin: de novo. Affected: yes.

GeneDx
Classification: Uncertain significance. Last evaluated: 2017-07-31. Review status: criteria provided, single submitter. Criteria: GeneDx Variant Classification (06012015). Collection method: clinical testing. Allele origin: germline. Affected: yes.
Comment: The G139E variant has not been published as a pathogenic variant, nor has it been reported as a benign variant to our knowledge. The G139E variant is not observed in large population cohorts (Lek et al., 2016; 1000 Genomes Consortium et al., 2015; Exome Variant Server). The G139E is a non-conservative amino acid substitution, which is likely to impact secondary protein structure as these residues differ in polarity, charge, size and/or other properties. Additionally, this substitution occurs at a position that is conserved across species, and in silico analysis predicts this variant is probably damaging to the protein structure/function. GeneDx interprets G139E as a variant ofuncertain significance.

Literature cited by the submitters: PubMed 15040446 (cited by Ambry Genetics).

NM_004408.4(DNM1):c.416G>A (p.Gly139Glu)

Genes: DNM1 (dynamin 1; plus strand), LOC113839516 (Sharpr-MPRA regulatory region 8497; plus strand). Cytogenetic location: 9q34.11.
Variant type: single nucleotide variant.
Coding change: c.416G>A on transcript NM_004408.4 (MANE Select); coding-DNA position 416, G replaced by A.
Protein change: p.Gly139Glu; replaces glycine 139 with glutamic acid.
Molecular consequence: missense variant.
Genome position (GRCh38, 1-based): chr9:128,219,079, G>A. VCF-style: chr9-128219079-G-A. GRCh37 (hg19) VCF-style: chr9-130981358-G-A.
Other names: c.416G>A, p.Gly139Glu (NM_001005336.3, NM_001288737.2, NM_001288738.2 and 1 more transcripts); c.416G>A (NM_004408.2); short protein forms G139E.
Identifiers: ClinVar variation 451091 (VCV000451091.5), dbSNP rs1554772913, ClinGen allele CA375010928.